The following is an entry in ClinVar:

NM_003070.5(SMARCA2):c.4359+4G>A

Gene: SMARCA2 (SWI/SNF related BAF chromatin remodeling complex subunit ATPase 2; plus strand). Cytogenetic location: 9p24.3.
Variant type: single nucleotide variant.
Coding change: c.4359+4G>A on transcript NM_003070.5 (MANE Select); 4 bases into the intron after coding-DNA position 4359, G replaced by A.
Molecular consequence: intron variant.
Genome position (GRCh38, 1-based): chr9:2,181,680, G>A. VCF-style: chr9-2181680-G-A. GRCh37 (hg19) VCF-style: chr9-2181680-G-A.
Other names: c.4305+4G>A (NM_139045.4); c.4131+4G>A (NM_001289397.2); c.4359+4G>A (NM_001289396.2); c.333+4G>A (NM_001289398.2); c.423+4G>A (NM_001289400.2); c.417+4G>A (NM_001289399.2).
Identifiers: ClinVar variation 3726086 (VCV003726086.2).
Genomic context (GRCh38, chr9:2,181,680, plus strand): 5'-GAATTACCAGAATACTATGAATTAATTAGGAAGCCAGTGGATTTCAAAAAAATAAAGGTA[G>A]ATATTTTGTTTACCAACTTTATTCTTCAAGTAAATAAAGGAGCAGTGTAAAGTCATTGAA-3'

ClinVar aggregate classification (germline): Uncertain significance (1 of 4 stars; one submission).

Submission:

Labcorp Genetics (formerly Invitae), Labcorp
Classification: Uncertain significance. Last evaluated: 2024-11-26. Review status: criteria provided, single submitter. Criteria: Invitae Variant Classification Sherloc (09022015). Collection method: clinical testing. Allele origin: germline.
Comment: This sequence change falls in intron 30 of the SMARCA2 gene. It does not directly change the encoded amino acid sequence of the SMARCA2 protein. It affects a nucleotide within the consensus splice site. This variant is not present in population databases (gnomAD no frequency). This variant has not been reported in the literature in individuals affected with SMARCA2-related conditions. Variants that disrupt the consensus splice site are a relatively common cause of aberrant splicing (PMID: 17576681, 9536098). Algorithms developed to predict the effect of sequence changes on RNA splicing suggest that this variant is not likely to affect RNA splicing. In summary, the available evidence is currently insufficient to determine the role of this variant in disease. Therefore, it has been classified as a Variant of Uncertain Significance.

Literature cited by the submitters: PubMed 17576681; PubMed 9536098.